The following is an entry in ClinVar:

ClinVar aggregate classification (germline): Uncertain significance (1 of 4 stars; one submission).

Conditions:
Hereditary cancer-predisposing syndrome. Also called: Hereditary Cancer Syndrome; Neoplastic Syndromes, Hereditary; Tumor predisposition; Hereditary neoplastic syndrome. Identifiers: Orphanet 140162, MedGen C0027672, MeSH D009386, MONDO:0015356.

Submission:

Ambry Genetics
Classification: Uncertain significance for Hereditary cancer-predisposing syndrome. Last evaluated: 2026-06-20. Review status: criteria provided, single submitter. Criteria: Ambry Variant Classification Scheme 2023. Collection method: clinical testing. Allele origin: germline.
Comment: The p.T432S variant (also known as c.1295C>G), located in coding exon 11 of the CHEK2 gene, results from a C to G substitution at nucleotide position 1295. The threonine at codon 432 is replaced by serine, an amino acid with similar properties. This amino acid position is conserved. In addition, this alteration is predicted to be tolerated by in silico analysis. Based on the available evidence, the clinical significance of this variant remains unclear.

NM_007194.4(CHEK2):c.1295C>G (p.Thr432Ser)

Gene: CHEK2 (checkpoint kinase 2; minus strand). Cytogenetic location: 22q12.1.
Variant type: single nucleotide variant.
Coding change: c.1295C>G on transcript NM_007194.4 (MANE Select); coding-DNA position 1295, C replaced by G.
Protein change: p.Thr432Ser; replaces threonine 432 with serine.
Molecular consequence: missense variant.
Genome position (GRCh38, 1-based): chr22:28,695,207, G>C on the plus strand (C>G on the coding strand, the complement: CHEK2 is on the minus strand). VCF-style: chr22-28695207-G-C. GRCh37 (hg19) VCF-style: chr22-29091195-G-C.
Other names: c.1208C>G, p.Thr403Ser (NM_145862.3); c.1424C>G, p.Thr475Ser (NM_001005735.3); c.632C>G, p.Thr211Ser (NM_001257387.3, NM_001437942.1); c.1094C>G, p.Thr365Ser (NM_001349956.3); c.1388C>G, p.Thr463Ser (NM_001438293.1); c.1337C>G, p.Thr446Ser (NM_001438294.1); c.1301C>G, p.Thr434Ser (NM_001438295.1); short protein forms T365S, T211S, T434S, T463S, T432S, T446S, T403S, T475S.
Identifiers: ClinVar variation 5034548 (VCV005034548.1).